The following is an entry in ClinVar:

ClinVar aggregate classification (germline): Pathogenic (1 of 4 stars; one submission).

Submission:

GeneDx
Classification: Pathogenic. Last evaluated: 2025-12-22. Review status: criteria provided, single submitter. Criteria: GeneDx Variant Classification Process June 2021. Collection method: clinical testing. Allele origin: germline.
Comment: Nonsense variant predicted to result in protein truncation or nonsense mediated decay in a gene for which loss of function is a known mechanism of disease; Not observed at significant frequency in large population cohorts (gnomAD); Has not been previously published as pathogenic or benign to our knowledge

NM_005121.3(MED13):c.1034G>A (p.Trp345Ter)

Gene: MED13 (mediator complex subunit 13; minus strand). Cytogenetic location: 17q23.2.
Variant type: single nucleotide variant.
Coding change: c.1034G>A on transcript NM_005121.3 (MANE Select); coding-DNA position 1034, G replaced by A.
Protein change: p.Trp345Ter; replaces tryptophan 345 with a stop codon.
Molecular consequence: nonsense.
Genome position (GRCh38, 1-based): chr17:62,029,989, C>T on the plus strand (G>A on the coding strand, the complement: MED13 is on the minus strand). VCF-style: chr17-62029989-C-T. GRCh37 (hg19) VCF-style: chr17-60107350-C-T.
Other names: short protein forms W345*.
Identifiers: ClinVar variation 3381432 (VCV003381432.2).